The following is an entry in ClinVar:

ClinVar aggregate classification (germline): Benign/Likely benign. Review status: criteria provided, multiple submitters, no conflicts (2 of 4 stars). 8 submissions from 8 submitters: Benign (4); Likely benign (4). Last evaluated 2026-01-12.

Conditions:
Inborn genetic diseases. Identifiers: MedGen C0950123, MeSH D030342.
Acute myeloid leukemia (AML). Also called: Leukemia, acute myeloid, somatic; Leukemia, acute myelogenous, somatic; Acute myeloid leukemia, adult; AML adult; Acute non-lymphocytic leukemia; Acute granulocytic leukemia. Identifiers: Orphanet 519, MedGen C0023467, MeSH D015470, MONDO:0018874, OMIM 601626, HP:0004808. Disease mechanism: Constitutively activated FLT3.

Allele frequency attached by ClinVar (database versions not stated): gnomAD exomes 0.00183; ExAC 0.00200; 1000 Genomes Project 0.00639; 1000 Genomes Project 30x 0.00640; gnomAD 0.00717 and 0.00778; TOPMed 0.00774.
gnomAD v4.1: 2,172 of 1,488,680 alleles (0.15%); highest among the groups gnomAD compares: African/African-American, 2.7%; 26 homozygotes.

Submissions (8):

Labcorp Genetics (formerly Invitae), Labcorp
Classification: Benign for Acute myeloid leukemia. Last evaluated: 2026-01-12. Review status: criteria provided, single submitter. Criteria: Invitae Variant Classification Sherloc (09022015). Collection method: clinical testing. Allele origin: germline.

Mayo Clinic Laboratories, Mayo Clinic
Classification: Benign. Last evaluated: 2025-09-22. Review status: criteria provided, single submitter. Criteria: ACMG Guidelines, 2015. Collection method: clinical testing. Allele origin: germline. Observed: 1 variant allele.
Comment: BS1, BP4, BP7

Blueprint Genetics
Classification: Likely benign. Last evaluated: 2024-11-25. Review status: criteria provided, single submitter. Criteria: ACMG Guidelines, 2015. Collection method: clinical testing. Allele origin: germline.

Ambry Genetics
Classification: Likely benign for Inborn genetic diseases. Last evaluated: 2024-08-21. Review status: criteria provided, single submitter. Criteria: Ambry Variant Classification Scheme 2023. Collection method: clinical testing. Allele origin: germline.

ARUP Laboratories, Molecular Genetics and Genomics, ARUP Laboratories
Classification: Benign. Last evaluated: 2024-02-22. Review status: criteria provided, single submitter. Criteria: ARUP Molecular Germline Variant Investigation Process 2024. Collection method: clinical testing. Allele origin: germline.

GeneDx
Classification: Likely benign. Last evaluated: 2020-12-14. Review status: criteria provided, single submitter. Criteria: GeneDx Variant Classification Process June 2021. Collection method: clinical testing. Allele origin: germline. Affected: yes.

Genetic Services Laboratory, University of Chicago
Classification: Benign. Last evaluated: 2018-11-15. Review status: criteria provided, single submitter. Criteria: ACMG Guidelines, 2015. Collection method: clinical testing. Allele origin: germline. Affected: no.

Breakthrough Genomics
Classification: Likely benign. Review status: criteria provided, single submitter. Criteria: ACMG Guidelines, 2015. Collection method: not provided. Allele origin: germline. Inheritance: Autosomal dominant inheritance. Affected: yes.

NM_004364.5(CEBPA):c.756G>T (p.Ala252=)

Gene: CEBPA (CCAAT enhancer binding protein alpha; minus strand). Cytogenetic location: 19q13.11.
Variant type: single nucleotide variant.
Coding change: c.756G>T on transcript NM_004364.5 (MANE Select); coding-DNA position 756, G replaced by T.
Protein change: p.Ala252=; no amino-acid change (alanine 252 retained).
Molecular consequence: synonymous variant.
Genome position (GRCh38, 1-based): chr19:33,301,659, C>A on the plus strand (G>T on the coding strand, the complement: CEBPA is on the minus strand). VCF-style: chr19-33301659-C-A. GRCh37 (hg19) VCF-style: chr19-33792565-C-A.
Other names: p.Ala252=; c.399G>T, p.Ala133= (NM_001285829.2); c.861G>T, p.Ala287= (NM_001287424.2); c.714G>T, p.Ala238= (NM_001287435.2).
Identifiers: ClinVar variation 415189 (VCV000415189.27), dbSNP rs571969199, ClinGen allele CA9363698.
Genomic context (GRCh38, chr19:33,301,659, plus strand): 5'-GCCCGCGCCGCTGCCGCCACTCGCGCGGAGGTCGGGGTGCGCGGCGCCCAGCCCCTTGAG[C>A]GCGCTGCCAGGGCCCGGCAGGCCGGCGGCACCGAGCGCGGGCGCGGGGTGCGGGCTGGGC-3'
Protein context (NP_004355.2, residues 242-262): GAAGLPGPGS[Ala252=]LKGLGAAHPD